The following is an entry in ClinVar:

NM_001023570.4(IQCB1):c.668G>A (p.Ser223Asn)

Gene: IQCB1 (IQ motif containing B1; minus strand). Cytogenetic location: 3q13.33.
Variant type: single nucleotide variant.
Coding change: c.668G>A on transcript NM_001023570.4 (MANE Select); coding-DNA position 668, G replaced by A.
Protein change: p.Ser223Asn; replaces serine 223 with asparagine.
Molecular consequence: missense variant. On other transcripts: non-coding transcript variant (1), intron variant (1).
Genome position (GRCh38, 1-based): chr3:121,799,294, C>T on the plus strand (G>A on the coding strand, the complement: IQCB1 is on the minus strand). VCF-style: chr3-121799294-C-T. GRCh37 (hg19) VCF-style: chr3-121518141-C-T.
Other names: c.668G>A, p.Ser223Asn (NM_001319107.2); c.587+8050G>A (NM_001023571.4); short protein forms S223N.
Identifiers: ClinVar variation 3383883 (VCV003383883.2).

ClinVar aggregate classification (germline): Uncertain significance (1 of 4 stars; one submission).

Submission:

GeneDx
Classification: Uncertain significance. Last evaluated: 2025-10-08. Review status: criteria provided, single submitter. Criteria: GeneDx Variant Classification Process June 2021. Collection method: clinical testing. Allele origin: germline. Affected: yes.
Comment: Not observed at significant frequency in large population cohorts (gnomAD); In silico analysis suggests that this missense variant does not alter protein structure/function; Has not been previously published as pathogenic or benign to our knowledge; In silico analysis suggests this variant may impact gene splicing. In the absence of RNA/functional studies, the actual effect of this sequence change is unknown.